The following is an entry in ClinVar:

NM_022173.4(TIA1):c.1078G>A (p.Val360Met)

Gene: TIA1 (TIA1 cytotoxic granule associated RNA binding protein; minus strand). Cytogenetic location: 2p13.3.
Variant type: single nucleotide variant.
Coding change: c.1078G>A on transcript NM_022173.4 (MANE Select); coding-DNA position 1078, G replaced by A.
Protein change: p.Val360Met; replaces valine 360 with methionine.
Molecular consequence: missense variant. On other transcripts: non-coding transcript variant (17).
Genome position (GRCh38, 1-based): chr2:70,212,802, C>T on the plus strand (G>A on the coding strand, the complement: TIA1 is on the minus strand). VCF-style: chr2-70212802-C-T. GRCh37 (hg19) VCF-style: chr2-70439934-C-T.
Other names: c.1075G>A, p.Val359Met (NM_001351508.2); c.1051G>A, p.Val351Met (NM_001351509.2); c.1042G>A, p.Val348Met (NM_001351510.2); c.967G>A, p.Val323Met (NM_001351511.1); c.940G>A, p.Val314Met (NM_001351512.1); c.934G>A, p.Val312Met (NM_001351513.1); c.850G>A, p.Val284Met (NM_001351514.2); c.775G>A, p.Val259Met (NM_001351515.2); and 3 more; short protein forms V312M, V351M, V360M, V259M, V284M, V323M, V348M, V349M.
Identifiers: ClinVar variation 651295 (VCV000651295.30), dbSNP rs201905164, ClinGen allele CA1697404.

ClinVar aggregate classification (germline): Uncertain significance. Review status: criteria provided, multiple submitters, no conflicts (2 of 4 stars). 4 submissions from 4 submitters: Uncertain significance (4). Last evaluated 2026-03-01.

Conditions:
Welander distal myopathy (WDM). Also called: Gower's muscular dystrophy; MUSCULAR DYSTROPHY, DISTAL, LATE-ONSET, AUTOSOMAL DOMINANT; Welander distal myopathy, Swedish type; Distal myopathy, Swedish type. Identifiers: Orphanet 603, MedGen C0221054, MONDO:0011466, OMIM 604454.

Allele frequency attached by ClinVar (database versions not stated): ExAC 0.00004; gnomAD exomes 0.00006; TOPMed 0.00011; gnomAD 0.00012 and 0.00013; ESP Exome Variant Server 0.00015.

Submissions (4):

CeGaT Center for Human Genetics Tuebingen
Classification: Uncertain significance. Last evaluated: 2026-03-01. Review status: criteria provided, single submitter. Criteria: CeGaT Center For Human Genetics Tuebingen Variant Classification Criteria Version 2. Collection method: clinical testing. Allele origin: germline. Affected: yes. Observed: 2 variant alleles.
Comment: TIA1: PM2:Supporting, PS4:Supporting, BP4

Labcorp Genetics (formerly Invitae), Labcorp
Classification: Uncertain significance for Welander distal myopathy. Last evaluated: 2024-12-15. Review status: criteria provided, single submitter. Criteria: Invitae Variant Classification Sherloc (09022015). Collection method: clinical testing. Allele origin: germline.
Comment: This sequence change replaces valine, which is neutral and non-polar, with methionine, which is neutral and non-polar, at codon 360 of the TIA1 protein (p.Val360Met). This variant is present in population databases (rs201905164, gnomAD 0.01%). This missense change has been observed in individual(s) with amyotrophic lateral sclerosis (PMID: 28817800, 29216908). ClinVar contains an entry for this variant (Variation ID: 651295). An algorithm developed to predict the effect of missense changes on protein structure and function outputs the following: PolyPhen-2: "Benign". The methionine amino acid residue is found in multiple mammalian species, which suggests that this missense change does not adversely affect protein function. In summary, the available evidence is currently insufficient to determine the role of this variant in disease. Therefore, it has been classified as a Variant of Uncertain Significance.

Revvity Omics, Revvity
Classification: Uncertain significance. Last evaluated: 2023-06-14. Review status: criteria provided, single submitter. Criteria: ACMG Guidelines, 2015. Collection method: clinical testing. Allele origin: germline.

Breakthrough Genomics
Classification: Uncertain significance. Review status: criteria provided, single submitter. Criteria: ACMG Guidelines, 2015. Collection method: not provided. Allele origin: germline. Inheritance: Autosomal recessive inheritance. Affected: yes.

Literature cited by the submitters: PubMed 28817800 (cited by Labcorp Genetics (formerly Invitae), Labcorp); PubMed 29216908 (cited by Labcorp Genetics (formerly Invitae), Labcorp).